The following is an entry in ClinVar:

NM_001363.5(DKC1):c.109_111del (p.Leu37del)

Gene: DKC1 (dyskerin pseudouridine synthase 1; plus strand). Cytogenetic location: Xq28.
Variant type: Deletion.
Coding change: c.109_111del on transcript NM_001363.5 (MANE Select); coding-DNA positions 109 to 111, 3 bases deleted (CTT; older notation c.109_111delCTT).
Protein change: p.Leu37del; deletes leucine 37.
Molecular consequence: inframe deletion. On other transcripts: non-coding transcript variant (3).
Genome position (GRCh38, 1-based): chrX:154,765,468-154,765,470, CTT deleted; deleting any 3 consecutive bases within chrX:154,765,466-154,765,470 gives the same sequence; the c. name uses the placement nearest the transcript's 3' end. VCF-style (leftmost placement, unchanged base first): chrX-154765465-TTTC-T. GRCh37 (hg19) VCF-style: chrX-153993740-TTTC-T.
Other names: c.109_111del, p.Leu37del (NM_001142463.3, NM_001288747.2); short protein forms L37del.
Identifiers: ClinVar variation 11583 (VCV000011583.12), dbSNP rs137854489, ClinGen allele CA341109.

ClinVar aggregate classification (germline): Likely pathogenic. Review status: criteria provided, single submitter (1 of 4 stars). 3 submissions from 3 submitters: Likely pathogenic (1). 2 of the submissions do not count toward it. Last evaluated 2020-05-15.

Conditions:
Dyskeratosis congenita. Identifiers: Orphanet 1775, MedGen C0265965, MONDO:0015780.
Dyskeratosis congenita, X-linked (DKCX). Also called: Zinsser-Cole-Engman Syndrome. Identifiers: MedGen C1148551, MONDO:0010584, OMIM 305000.

Submissions (3):

Labcorp Genetics (formerly Invitae), Labcorp
Classification: Likely pathogenic for Dyskeratosis congenita. Last evaluated: 2020-05-15. Review status: criteria provided, single submitter. Criteria: Invitae Variant Classification Sherloc (09022015). Collection method: clinical testing. Allele origin: germline.
Comment: Experimental studies have shown that this in-frame deletion results in compromised telomere maintenance, characterized by shortened telomeres and reduced telomerase activity (PMID: 22058290, 23660516, 21602826, 25992652). This variant has been reported in individuals affected with dyskeratosis congenita (PMID: 9590285, Invitae). ClinVar contains an entry for this variant (Variation ID: 11583). This variant is not present in population databases (ExAC no frequency). This variant, c.109_111delCTT, results in the deletion of 1 amino acid of the DKC1 protein (p.Leu37del), but otherwise preserves the integrity of the reading frame. In summary, the currently available evidence indicates that the variant is pathogenic, but additional data are needed to prove that conclusively. Therefore, this variant has been classified as Likely Pathogenic.

OMIM
Classification: Pathogenic for DYSKERATOSIS CONGENITA, X-LINKED. Last evaluated: 1998-05-01. Review status: no assertion criteria provided. Collection method: literature only. Allele origin: germline. Not counted in ClinVar's aggregate classification.

GeneReviews
No classification provided. Condition: Dyskeratosis congenita, X-linked. Review status: no classification provided. Collection method: literature only. Allele origin: unknown. Not counted in ClinVar's aggregate classification.

Literature cited by the submitters: PubMed 22058290 (cited by Labcorp Genetics (formerly Invitae), Labcorp); PubMed 23660516 (cited by Labcorp Genetics (formerly Invitae), Labcorp); PubMed 21602826 (cited by Labcorp Genetics (formerly Invitae), Labcorp); PubMed 25992652 (cited by Labcorp Genetics (formerly Invitae), Labcorp); PubMed 9590285 (cited by Labcorp Genetics (formerly Invitae), Labcorp and OMIM); PubMed 20301779 (cited by GeneReviews); NCBI Bookshelf NBK22301 (cited by GeneReviews).